The following is an entry in ClinVar:

NM_004568.6(SERPINB6):c.240C>T (p.Asn80=)

Gene: SERPINB6 (serpin family B member 6; minus strand). Cytogenetic location: 6p25.2.
Variant type: single nucleotide variant.
Coding change: c.240C>T on transcript NM_004568.6 (MANE Select); coding-DNA position 240, C replaced by T.
Protein change: p.Asn80=; no amino-acid change (asparagine 80 retained).
Molecular consequence: synonymous variant. On other transcripts: non-coding transcript variant (1).
Genome position (GRCh38, 1-based): chr6:2,955,596, G>A on the plus strand (C>T on the coding strand, the complement: SERPINB6 is on the minus strand). VCF-style: chr6-2955596-G-A. GRCh37 (hg19) VCF-style: chr6-2955830-G-A.
Other names: c.252C>T, p.Asn84= (NM_001195291.3, NM_001374515.1); c.282C>T, p.Asn94= (NM_001271822.2); c.297C>T, p.Asn99= (NM_001271823.2); c.240C>T, p.Asn80= (NM_001271824.2, NM_001271825.2, NM_001297699.2 and 2 more transcripts); c.108C>T, p.Asn36= (NM_001374517.1).
Identifiers: ClinVar variation 178631 (VCV000178631.15), dbSNP rs35826070, ClinGen allele CA182700.

ClinVar aggregate classification (germline): Benign. Review status: criteria provided, multiple submitters, no conflicts (2 of 4 stars). 3 submissions from 3 submitters: Benign (3). Last evaluated 2025-12-30.

Allele frequency attached by ClinVar (database versions not stated): gnomAD exomes 0.00089 and 0.00233; ExAC 0.00289; gnomAD 0.00890 and 0.00957; TOPMed 0.01004; 1000 Genomes Project 0.01018; ESP Exome Variant Server 0.01023; 1000 Genomes Project 30x 0.01156.
gnomAD v4.1: 2,697 of 1,614,198 alleles (0.17%); highest among the groups gnomAD compares: African/African-American, 3.2%; 43 homozygotes.

Submissions (3):

Labcorp Genetics (formerly Invitae), Labcorp
Classification: Benign. Last evaluated: 2025-12-30. Review status: criteria provided, single submitter. Criteria: Invitae Variant Classification Sherloc (09022015). Collection method: clinical testing. Allele origin: germline.

GeneDx
Classification: Benign. Last evaluated: 2018-05-24. Review status: criteria provided, single submitter. Criteria: GeneDx Variant Classification (06012015). Collection method: clinical testing. Allele origin: germline. Affected: yes.
Comment: This variant is considered likely benign or benign based on one or more of the following criteria: it is a conservative change, it occurs at a poorly conserved position in the protein, it is predicted to be benign by multiple in silico algorithms, and/or has population frequency not consistent with disease.

Laboratory for Molecular Medicine, Mass General Brigham Personalized Medicine
Classification: Benign. Last evaluated: 2012-05-07. Review status: criteria provided, single submitter. Criteria: LMM Criteria. Collection method: clinical testing. Allele origin: germline. Observed: 10 variant alleles.
Comment: "Asn80Asn in Exon 04 of SERPINB6: This variant is not expected to have clinical significance because it does not alter an amino acid residue, is not located wit hin the splice consensus sequence, and has been identified in 3.1% (116/3738) of African American chromosomes from a broad population by the NHLBI Exome Sequenc ing Project (dbSNP rs35826070)."